The following is an entry in ClinVar:

ClinVar aggregate classification (germline): Conflicting classifications of pathogenicity. Review status: criteria provided, conflicting classifications (1 of 4 stars). 4 submissions from 4 submitters: Uncertain significance (2); Likely benign (2). Last evaluated 2023-12-11.

Conditions:
Cardiovascular phenotype. Identifiers: MedGen CN230736.
Dilated cardiomyopathy 1G (CMD1G). Identifiers: Orphanet 154, MedGen C1858763, MONDO:0011400, OMIM 604145.
Autosomal recessive limb-girdle muscular dystrophy type 2J (LGMDR10). Also called: Limb-girdle muscular dystrophy, type 2J; MUSCULAR DYSTROPHY, LIMB-GIRDLE, AUTOSOMAL RECESSIVE 10. Identifiers: Orphanet 140922, MedGen C1837342, MONDO:0012127, OMIM 608807.

Allele frequency attached by ClinVar (database versions not stated): gnomAD exomes 0.00001 and 0.00004; TOPMed 0.00001; gnomAD 0.00002; ExAC 0.00003; ESP Exome Variant Server 0.00017.
gnomAD v4.1: 16 of 1,592,688 alleles (0.001%); highest among the groups gnomAD compares: Middle Eastern, 0.12%; no homozygotes.

Submissions (4):

Blueprint Genetics
Classification: Likely benign. Last evaluated: 2023-12-11. Review status: criteria provided, single submitter. Criteria: ACMG Guidelines, 2015. Collection method: clinical testing. Allele origin: germline.

Ambry Genetics
Classification: Uncertain significance for Cardiovascular phenotype. Last evaluated: 2022-10-12. Review status: criteria provided, single submitter. Criteria: Ambry Variant Classification Scheme 2023. Collection method: clinical testing. Allele origin: germline.
Comment: The c.30942C>T variant (also known as p.C10314C), located in coding exon 123 of the TTN gene, results from a C to T substitution at nucleotide position 30942. This nucleotide substitution does not change the cysteine at codon 10314. This nucleotide position is well conserved in available vertebrate species. In silico splice site analysis predicts that this alteration may result in the creation or strengthening of a novel splice donor site. Since supporting evidence is limited at this time, the clinical significance of this alteration remains unclear.

Labcorp Genetics (formerly Invitae), Labcorp
Classification: Uncertain significance for Dilated cardiomyopathy 1G; Autosomal recessive limb-girdle muscular dystrophy type 2J. Last evaluated: 2018-07-25. Review status: criteria provided, single submitter. Criteria: Invitae Variant Classification Sherloc (09022015). Collection method: clinical testing. Allele origin: germline.
Comment: This sequence change affects codon 19379 of the TTN mRNA. It is a 'silent' change, meaning that it does not change the encoded amino acid sequence of the TTN protein. This variant is present in population databases (rs376310289, ExAC 0.03%). This variant has not been reported in the literature in individuals with TTN-related disease. ClinVar contains an entry for this variant (Variation ID:¬†507035). This variant is located in the A band of TTN (PMID: 25589632). Variants in this region may be relevant for cardiac or neuromuscular disorders (PMID: 25589632, 23975875). Algorithms developed to predict the effect of sequence changes on RNA splicing suggest that this variant may create or strengthen a splice site, but this prediction has not been confirmed by published transcriptional studies. In summary, the available evidence is currently insufficient to determine the role of this variant in disease. Therefore, it has been classified as a Variant of Uncertain Significance.

GeneDx
Classification: Likely benign. Last evaluated: 2018-01-16. Review status: criteria provided, single submitter. Criteria: GeneDx Variant Classification (06012015). Collection method: clinical testing. Allele origin: germline. Affected: yes.
Comment: This variant is considered likely benign or benign based on one or more of the following criteria: it is a conservative change, it occurs at a poorly conserved position in the protein, it is predicted to be benign by multiple in silico algorithms, and/or has population frequency not consistent with disease.

Literature cited by the submitters: PubMed 25589632 (cited by Labcorp Genetics (formerly Invitae), Labcorp); PubMed 23975875 (cited by Labcorp Genetics (formerly Invitae), Labcorp).

NM_001267550.2(TTN):c.58137C>T (p.Cys19379=)

Genes: TTN (titin; minus strand), TTN-AS1 (TTN antisense RNA 1; plus strand). Cytogenetic location: 2q31.2.
Variant type: single nucleotide variant.
Coding change: c.58137C>T on transcript NM_001267550.2 (MANE Select); coding-DNA position 58137, C replaced by T.
Protein change: p.Cys19379=; no amino-acid change (cysteine 19379 retained).
Molecular consequence: synonymous variant.
Genome position (GRCh38, 1-based): chr2:178,594,357, G>A on the plus strand (C>T on the coding strand, the complement: TTN is on the minus strand). VCF-style: chr2-178594357-G-A. GRCh37 (hg19) VCF-style: chr2-179459084-G-A.
Other names: c.53214C>T, p.Cys17738= (NM_001256850.1); c.30942C>T, p.Cys10314= (NM_003319.4); c.50433C>T, p.Cys16811= (NM_133378.4); c.31317C>T, p.Cys10439= (NM_133432.3); c.31518C>T, p.Cys10506= (NM_133437.4).
Identifiers: ClinVar variation 507035 (VCV000507035.7), dbSNP rs376310289, ClinGen allele CA1992926.